The following is an entry in ClinVar:

ClinVar aggregate classification (germline): Pathogenic. Review status: criteria provided, multiple submitters, no conflicts (2 of 4 stars). 11 submissions from 11 submitters: Pathogenic (9). 2 of the submissions do not count toward it. Last evaluated 2025-10-02.

Conditions:
Tuberous sclerosis 2 (TSC2). Identifiers: Orphanet 805, MedGen C1860707, MONDO:0013199, OMIM 613254.
Lymphangiomyomatosis (LAM). Also called: Lymphangioleiomyomatosis; Lymphangioleiomyomatosis, somatic. Identifiers: Orphanet 538, MedGen C0751674, MONDO:0011705, OMIM 606690.
Isolated focal cortical dysplasia type II (FCORD2). Also called: CORTICAL DYSPLASIA OF TAYLOR; Focal cortical dysplasia type II. Identifiers: Orphanet 268994, MedGen C1846385, MONDO:0011818, OMIM 607341, HP:0032051.
Tuberous sclerosis syndrome (TSC). Also called: Tuberous Sclerosis Complex; Tuberous sclerosis. Identifiers: Orphanet 805, MedGen C0041341, MONDO:0001734.
Hereditary cancer-predisposing syndrome. Also called: Neoplastic Syndromes, Hereditary; Hereditary neoplastic syndrome; Hereditary Cancer Syndrome; Tumor predisposition. Identifiers: Orphanet 140162, MedGen C0027672, MeSH D009386, MONDO:0015356.

Submissions (11):

3billion
Classification: Pathogenic for Tuberous sclerosis 2. Last evaluated: 2025-10-02. Review status: criteria provided, single submitter. Criteria: ACMG Guidelines, 2015. Collection method: clinical testing. Allele origin: germline. Affected: yes.
Comment: The variant is not observed in the gnomAD v4.1.0 dataset. Predicted Consequence/Location: Frameshift: predicted to result in a loss or disruption of normal protein function through nonsense-mediated decay (NMD) or protein truncation. Multiple pathogenic variants are reported downstream of the variant. The variant has been previously reported as de novo in a similarly affected individual (PMID: 32211034). The variant has been observed in multiple (>3) similarly affected unrelated individuals (PMID: 16981987, 21510812, 29476190, 32211034). The variant has been previously reported as assumed (i.e. paternity and maternity not confirmed) de novo in at least one similarly affected unrelated individual (PMID: 29476190). The variant has been reported at least twice as pathogenic with clinical assertions and evidence for the classification (ClinVar ID: VCV000049151 /PMID: 16981987). Therefore, this variant is classified as Pathogenic according to the recommendation of ACMG/AMP guideline.

Dubai Health Genomic Medicine Center, Dubai Health
Classification: Pathogenic for Lymphangioleiomyomatosis. Last evaluated: 2024-10-04. Review status: criteria provided, single submitter. Criteria: ACMG Guidelines, 2015. Collection method: research. Allele origin: germline. Affected: yes.
Comment: PVS1,PS2,PM2

Labcorp Genetics (formerly Invitae), Labcorp
Classification: Pathogenic for Tuberous sclerosis 2. Last evaluated: 2024-09-10. Review status: criteria provided, single submitter. Criteria: Invitae Variant Classification Sherloc (09022015). Collection method: clinical testing. Allele origin: germline.
Comment: This sequence change creates a premature translational stop signal (p.Leu45Glufs*3) in the TSC2 gene. It is expected to result in an absent or disrupted protein product. Loss-of-function variants in TSC2 are known to be pathogenic (PMID: 10205261, 17304050). This variant is not present in population databases (gnomAD no frequency). This premature translational stop signal has been observed in individual(s) with tuberous sclerosis complex (PMID: 16981987, 21510812). ClinVar contains an entry for this variant (Variation ID: 49151). For these reasons, this variant has been classified as Pathogenic.

Ambry Genetics
Classification: Pathogenic for Hereditary cancer-predisposing syndrome. Last evaluated: 2024-04-16. Review status: criteria provided, single submitter. Criteria: Ambry Variant Classification Scheme 2023. Collection method: clinical testing. Allele origin: germline.
Comment: The c.133_136delCTGA pathogenic mutation, located in coding exon 1 of the TSC2 gene, results from a deletion of 4 nucleotides at nucleotide positions 133 to 136, causing a translational frameshift with a predicted alternate stop codon (p.L45Efs*3). The predicted stop codon occurs in the 5&rsquo; end of the TSC2 gene. Premature termination codons in the 5&rsquo; end of a gene have been reported to escape nonsense-mediated mRNA decay and/or lead to re-initiation (Rivas et al. Science. 2015 May 8;348(6235):666-9; Lindeboom et al. Nat Genet. 2016 Oct;48(10):1112-8; Rhee et al. Sci Rep. 2017 May 10;7(1):1653). Direct evidence for this alteration is unavailable, however premature termination codons are typically deleterious in nature. This variant has been identified in individuals meeting clinical diagnostic criteria for Tuberous sclerosis complex (TSC) (Hung CC et al. BMC Med Genet, 2006 Sep;7:72; Tsai TS et al. Genet Test Mol Biomarkers, 2011 Jun;15:415-21; Zhang N et al. Front Genet, 2020 Feb;11:575750), and has been reported as a de novo mutation in at least two patients diagnosed with TSC (Suspitsin EN et al. J Hum Genet, 2018 May;63:597-604; Ding Y et al. Front Genet, 2020 Mar;11:204). This variant is considered to be rare based on population cohorts in the Genome Aggregation Database (gnomAD). Based on the supporting evidence, this variant is interpreted as a disease-causing mutation.

Athena Diagnostics
Classification: Pathogenic. Last evaluated: 2023-11-07. Review status: criteria provided, single submitter. Criteria: Athena Diagnostics Criteria. Collection method: clinical testing. Allele origin: unknown.
Comment: This variant is expected to result in the loss of a functional protein. This variant has been identified in at least one individual with clinical features associated with this gene. This variant has not been reported in large, multi-ethnic general populations.

GeneDx
Classification: Pathogenic. Last evaluated: 2023-10-25. Review status: criteria provided, single submitter. Criteria: GeneDx Variant Classification Process June 2021. Collection method: clinical testing. Allele origin: germline. Affected: yes.
Comment: Frameshift variant predicted to result in protein truncation or nonsense mediated decay in a gene for which loss of function is a known mechanism of disease; Not observed at significant frequency in large population cohorts (gnomAD); This variant is associated with the following publications: (PMID: 16981987, 21510812, 36232477, 32005694, 32211034, 29476190)

Genome-Nilou Lab
Classification: Pathogenic for Tuberous sclerosis 2. Last evaluated: 2021-11-07. Review status: criteria provided, single submitter. Criteria: ACMG Guidelines, 2015. Collection method: clinical testing. Allele origin: germline. Affected: no.

Juno Genomics, Hangzhou Juno Genomics, Inc
Classification: Pathogenic for Isolated focal cortical dysplasia type II; Lymphangiomyomatosis; Tuberous sclerosis 2. Review status: criteria provided, single submitter. Criteria: ACMG Guidelines, 2015. Collection method: clinical testing. Allele origin: germline. Affected: yes.
Comment: Absent from controls (or at extremely low frequency if recessive) in Genome Aggregation Database, Exome Sequencing Project, 1000 Genomes Project, or Exome Aggregation Consortium.;The prevalence of the variant in affected individuals is significantly increased compared to the prevalence in controls.;Assumed de novo, but without confirmation of paternity and maternity.;Null variant in a gene where loss of function (LOF) is a known mechanism of disease.;Patient's phenotype or family history is highly specific for a disease with a single genetic etiology.

Oasi Research Institute-IRCCS
Classification: Pathogenic for Tuberous sclerosis 2. Review status: criteria provided, single submitter. Criteria: ACMG Guidelines, 2015. Collection method: research. Allele origin: de novo. Affected: yes.
Comment: This variant is characterized by a deletion of four nucleotides, which leads to a frameshift mutation. It is expected to result in protein truncation or nonsense mediated decay. ACMG criteria: PVS1 (LOF), PP4 (phenotype match), PM2 (absent from controls), PP3 (in silico evidence), PS2 (de novo) = Pathogenic. Based on the evidence outlined above, the variant was classified as Pathogenic.

Division of Genomic Medicine, Department of Advanced Medicine, Medical Research Institute, Kanazawa Medical University
Classification: Pathogenic for Tuberous sclerosis 2. Last evaluated: 2020-06-11. Review status: no assertion criteria provided. Collection method: clinical testing. Allele origin: germline. Affected: yes. Observed: 1 variant allele. Not counted in ClinVar's aggregate classification.

Tuberous sclerosis database (TSC2)
No classification provided. Condition: TSC. Review status: no classification provided. Criteria: Tuberous Sclerosis Database Assertion Criteria 2015. Collection method: curation. Allele origin: germline. Affected: yes. Not counted in ClinVar's aggregate classification.

Literature cited by the submitters: PubMed 21510812 (cited by 4 submitters); PubMed 16981987 (cited by 4 submitters); PubMed 29476190 (cited by 3billion and Ambry Genetics); PubMed 32211034 (cited by 3billion and Ambry Genetics); PubMed 10205261 (cited by Labcorp Genetics (formerly Invitae), Labcorp); PubMed 17304050 (cited by Labcorp Genetics (formerly Invitae), Labcorp); PubMed 33679864 (cited by Ambry Genetics).

NM_000548.5(TSC2):c.133_136del (p.Leu45fs)

Gene: TSC2 (TSC complex subunit 2; plus strand). Cytogenetic location: 16p13.3.
Variant type: Deletion.
Coding change: c.133_136del on transcript NM_000548.5 (MANE Select); coding-DNA positions 133 to 136, 4 bases deleted (CTGA; older notation c.133_136delCTGA).
Protein change: p.Leu45fs; shifts the reading frame from leucine 45.
Molecular consequence: frameshift variant. On other transcripts: 5 prime UTR variant (1), intron variant (1).
Genome position (GRCh38, 1-based): chr16:2,048,748-2,048,751, CTGA deleted; deleting any 4 consecutive bases within chr16:2,048,747-2,048,751 gives the same sequence; the c. name uses the placement nearest the transcript's 3' end. VCF-style (leftmost placement, unchanged base first): chr16-2048746-TACTG-T. GRCh37 (hg19) VCF-style: chr16-2098747-TACTG-T.
Other names: c.133_136del, p.Leu45fs (NM_001077183.3, NM_001114382.3, NM_001318827.2 and 4 more transcripts); c.-94_-91del (NM_001318831.2); c.166_169del, p.Leu56fs (NM_001318832.2); c.-10+683_-10+686del (NM_001318829.2); c.133_136delCTGA (NM_000548.5); short protein forms L45fs, L56fs.
Identifiers: ClinVar variation 49151 (VCV000049151.21), dbSNP rs137854360, ClinGen allele CA014408.